The following is an entry in ClinVar:

ClinVar aggregate classification (germline): Uncertain significance (1 of 4 stars; one submission).

Conditions:
Autosomal dominant nocturnal frontal lobe epilepsy 5. Also called: CILIARY DYSKINESIA, PRIMARY, 28, WITHOUT SITUS INVERSUS; CILIARY DYSKINESIA, PRIMARY, 28, WITH SITUS INVERSUS; Epilepsy, nocturnal frontal lobe, 5; KCNT1-Related Epilepsy. Identifiers: Orphanet 98784, MedGen C3554306, MONDO:0014002, OMIM 615005.
Developmental and epileptic encephalopathy, 14 (DEE14). Also called: Early infantile epileptic encephalopathy 14. Identifiers: Orphanet 293181, MedGen C3554195, MONDO:0013989, OMIM 614959.

Allele frequency attached by ClinVar (database versions not stated): gnomAD exomes below 0.00001.
gnomAD v4.1: 3 of 1,603,704 alleles (0.00019%); highest among the groups gnomAD compares: Non-Finnish European, 0.00026%; no homozygotes.

Submission:

Labcorp Genetics (formerly Invitae), Labcorp
Classification: Uncertain significance for Autosomal dominant nocturnal frontal lobe epilepsy 5; Developmental and epileptic encephalopathy, 14. Last evaluated: 2023-04-24. Review status: criteria provided, single submitter. Criteria: Invitae Variant Classification Sherloc (09022015). Collection method: clinical testing. Allele origin: germline.
Comment: In summary, the available evidence is currently insufficient to determine the role of this variant in disease. Therefore, it has been classified as a Variant of Uncertain Significance. Algorithms developed to predict the effect of sequence changes on RNA splicing suggest that this variant may disrupt the consensus splice site. Experimental studies and prediction algorithms are not available or were not evaluated, and the functional significance of this variant is currently unknown. ClinVar contains an entry for this variant (Variation ID: 2180369). This variant has not been reported in the literature in individuals affected with KCNT1-related conditions. This variant is present in population databases (no rsID available, gnomAD 0.0009%). This sequence change affects an acceptor splice site in intron 19 of the KCNT1 gene. It is expected to disrupt RNA splicing. Variants that disrupt the donor or acceptor splice site typically lead to a loss of protein function (PMID: 16199547), however the current clinical and genetic evidence is not sufficient to establish whether loss-of-function variants in KCNT1 cause disease.

Literature cited by the submitters: PubMed 16199547.

NM_020822.3(KCNT1):c.2244-1G>A

Gene: KCNT1 (potassium sodium-activated channel subfamily T member 1; plus strand). Cytogenetic location: 9q34.3.
Variant type: single nucleotide variant.
Coding change: c.2244-1G>A on transcript NM_020822.3 (MANE Select); the canonical splice acceptor site of the intron before coding-DNA position 2244, G replaced by A.
Molecular consequence: splice acceptor variant.
Genome position (GRCh38, 1-based): chr9:135,775,309, G>A. VCF-style: chr9-135775309-G-A. GRCh37 (hg19) VCF-style: chr9-138667155-G-A.
Other names: c.2109-1G>A (NM_001272003.2).
Identifiers: ClinVar variation 2180369 (VCV002180369.4), dbSNP rs1412885784, ClinGen allele CA375512088.
Genomic context (GRCh38, chr9:135,775,309, plus strand): 5'-CCCAGAGCAGACCCAGCCACCTCTGTGCAGCTGTGCTGAGGGCTCCTGTCTCCTGCCCCA[G>A]GTATGTGAAGGGCTACCCTCCCAACTCGCCCTACATCGGCAGCTCCCCAACCCTGTGCCA-3'